The following is an entry in ClinVar:

NM_001135649.3(FOXI3):c.675C>T (p.Cys225=)

Gene: FOXI3 (forkhead box I3; minus strand). Cytogenetic location: 2p11.2.
Variant type: single nucleotide variant.
Coding change: c.675C>T on transcript NM_001135649.3 (MANE Select); coding-DNA position 675, C replaced by T.
Protein change: p.Cys225=; no amino-acid change (cysteine 225 retained).
Molecular consequence: synonymous variant.
Genome position (GRCh38, 1-based): chr2:88,448,795, G>A on the plus strand (C>T on the coding strand, the complement: FOXI3 is on the minus strand). VCF-style: chr2-88448795-G-A. GRCh37 (hg19) VCF-style: chr2-88748314-G-A.
Identifiers: ClinVar variation 4695157 (VCV004695157.3).

ClinVar aggregate classification (germline): Likely benign. Review status: criteria provided, multiple submitters, no conflicts (2 of 4 stars). 2 submissions from 2 submitters: Likely benign (2). Last evaluated 2026-04-01.

Submissions (2):

CeGaT Center for Human Genetics Tuebingen
Classification: Likely benign. Last evaluated: 2026-04-01. Review status: criteria provided, single submitter. Criteria: CeGaT Center For Human Genetics Tuebingen Variant Classification Criteria Version 2. Collection method: clinical testing. Allele origin: germline. Affected: yes. Observed: 1 variant allele.
Comment: FOXI3: BP4, BP7

Labcorp Genetics (formerly Invitae), Labcorp
Classification: Likely benign. Last evaluated: 2025-08-29. Review status: criteria provided, single submitter. Criteria: Invitae Variant Classification Sherloc (09022015). Collection method: clinical testing. Allele origin: germline.